The following is an entry in ClinVar:

NM_000136.3(FANCC):c.226del (p.Trp76fs)

Gene: FANCC (FA complementation group C; minus strand). Cytogenetic location: 9q22.32.
Variant type: Deletion.
Coding change: c.226del on transcript NM_000136.3 (MANE Select); coding-DNA position 226, one base deleted (T; older notation c.226delT).
Protein change: p.Trp76fs; shifts the reading frame from tryptophan 76.
Molecular consequence: frameshift variant.
Genome position (GRCh38, 1-based): chr9:95,247,456, A deleted on the plus strand (T on the coding strand, the reverse complement: FANCC is on the minus strand); the first of 2 consecutive A bases (chr9:95,247,456-95,247,457); deleting either gives the same sequence. VCF-style (leftmost placement, unchanged base first): chr9-95247455-CA-C. GRCh37 (hg19) VCF-style: chr9-98009737-CA-C.
Other names: c.226del, p.Trp76fs (NM_001243743.2, NM_001243744.2); short protein forms W76fs.
Identifiers: ClinVar variation 1074074 (VCV001074074.7), dbSNP rs2136090871, ClinGen allele CA2499220016.

ClinVar aggregate classification (germline): Pathogenic (1 of 4 stars; one submission).

Conditions:
Fanconi anemia (FA). Also called: Fanconi's anemia. Identifiers: Orphanet 84, MedGen C0015625, MeSH D005199, MONDO:0019391.

Submission:

Labcorp Genetics (formerly Invitae), Labcorp
Classification: Pathogenic for Fanconi anemia. Last evaluated: 2022-02-10. Review status: criteria provided, single submitter. Criteria: Invitae Variant Classification Sherloc (09022015). Collection method: clinical testing. Allele origin: germline.
Comment: For these reasons, this variant has been classified as Pathogenic. ClinVar contains an entry for this variant (Variation ID: 1074074). This variant has not been reported in the literature in individuals affected with FANCC-related conditions. This variant is not present in population databases (gnomAD no frequency). This sequence change creates a premature translational stop signal (p.Trp76Glyfs*6) in the FANCC gene. It is expected to result in an absent or disrupted protein product. Loss-of-function variants in FANCC are known to be pathogenic (PMID: 17924555).

Literature cited by the submitters: PubMed 17924555.